The following is an entry in ClinVar:

ClinVar aggregate classification (germline): Conflicting classifications of pathogenicity. Review status: criteria provided, conflicting classifications (1 of 4 stars). 3 submissions from 3 submitters: Likely pathogenic (1); Uncertain significance (2). Last evaluated 2024-02-07.

Conditions:
Cardiovascular phenotype. Identifiers: MedGen CN230736.
Beckwith-Wiedemann syndrome (BWS). Also called: EMG SYNDROME; Exomphalos macroglossia gigantism syndrome. Identifiers: Orphanet 116, MedGen C0004903, MONDO:0007534, OMIM 130650.
Short QT syndrome type 2. Identifiers: Orphanet 51083, MedGen C1865019, MONDO:0012313, OMIM 609621.
Atrial fibrillation, familial, 3 (ATFB3). Identifiers: MedGen C1837014, MONDO:0011857, OMIM 607554.
Long QT syndrome 1 (LQT1). Identifiers: Orphanet 101016, Orphanet 768, MedGen C4551647, MONDO:0100316, OMIM 192500, MONDO:0008646.
Jervell and Lange-Nielsen syndrome 1 (JLNS1). Also called: CARDIOAUDITORY SYNDROME OF JERVELL AND LANGE-NIELSEN; DEAFNESS, CONGENITAL, AND FUNCTIONAL HEART DISEASE; PROLONGED QT INTERVAL IN EKG AND SUDDEN DEATH; SURDO-CARDIAC SYNDROME. Identifiers: Orphanet 768, Orphanet 90647, MedGen C4551509, MONDO:0024540, OMIM 220400.
Long QT syndrome (LQTS). Identifiers: MedGen C0023976, MeSH D008133, MONDO:0002442. Disease mechanism: loss of function. Inheritance: Various modes of inheritance.

Allele frequency attached by ClinVar (database versions not stated): gnomAD exomes below 0.00001; ExAC 0.00001; gnomAD 0.00001; ESP Exome Variant Server 0.00008.
gnomAD v4.1: 1 of 1,612,982 alleles (0.000062%); highest among the groups gnomAD compares: African/African-American, 0.0013%; no homozygotes.

Submissions (3):

Ambry Genetics
Classification: Uncertain significance for Cardiovascular phenotype. Last evaluated: 2024-02-07. Review status: criteria provided, single submitter. Criteria: Ambry Variant Classification Scheme 2023. Collection method: clinical testing. Allele origin: germline.
Comment: The p.V215G variant (also known as c.644T>G), located in coding exon 4 of the KCNQ1 gene, results from a T to G substitution at nucleotide position 644. The valine at codon 215 is replaced by glycine, an amino acid with dissimilar properties. Functional analysis suggests this alteration causes a moderate decrease in channel current; however, the physiological relevance of this result is unclear (Vanoye CG et al. Circ Genom Precis Med, 2018 Nov;11:e002345). This alteration has been reported in an ostensibly healthy control (Kapa S et al. Circulation, 2009 Nov;120:1752-60). This variant has also been reported in a sudden unexplained death cohort (Huang J et al. J Forensic Sci, 2015 Mar;60:351-6). This amino acid position is highly conserved in available vertebrate species. In addition, this alteration is predicted to be deleterious by in silico analysis. Since supporting evidence is limited at this time, the clinical significance of this alteration remains unclear.

Labcorp Genetics (formerly Invitae), Labcorp
Classification: Likely pathogenic for Long QT syndrome. Last evaluated: 2022-10-31. Review status: criteria provided, single submitter. Criteria: Invitae Variant Classification Sherloc (09022015). Collection method: clinical testing. Allele origin: germline.
Comment: Experimental studies have shown that this missense change affects KCNQ1 function (PMID: 30571187). In summary, the currently available evidence indicates that the variant is pathogenic, but additional data are needed to prove that conclusively. Therefore, this variant has been classified as Likely Pathogenic. This variant disrupts the p.Val215 amino acid residue in KCNQ1. Other variant(s) that disrupt this residue have been determined to be pathogenic (PMID: 16414944, 19841300, 20421371, 23098067, 23392653). This suggests that this residue is clinically significant, and that variants that disrupt this residue are likely to be disease-causing. Advanced modeling of protein sequence and biophysical properties (such as structural, functional, and spatial information, amino acid conservation, physicochemical variation, residue mobility, and thermodynamic stability) performed at Invitae indicates that this missense variant is expected to disrupt KCNQ1 protein function. ClinVar contains an entry for this variant (Variation ID: 456868). This missense change has been observed in individual(s) with long QT syndrome (Invitae). This variant is present in population databases (rs368011737, gnomAD 0.0009%). This sequence change replaces valine, which is neutral and non-polar, with glycine, which is neutral and non-polar, at codon 215 of the KCNQ1 protein (p.Val215Gly).

Fulgent Genetics
Classification: Uncertain significance for Beckwith-Wiedemann syndrome; Long QT syndrome 1; Jervell and Lange-Nielsen syndrome 1; Atrial fibrillation, familial, 3; Short QT syndrome type 2. Last evaluated: 2018-10-31. Review status: criteria provided, single submitter. Criteria: ACMG Guidelines, 2015. Collection method: clinical testing. Allele origin: unknown.

Literature cited by the submitters: PubMed 19841300 (cited by Ambry Genetics and Labcorp Genetics (formerly Invitae), Labcorp); PubMed 25639344 (cited by Ambry Genetics); PubMed 30571187 (cited by Ambry Genetics and Labcorp Genetics (formerly Invitae), Labcorp); PubMed 16414944 (cited by Labcorp Genetics (formerly Invitae), Labcorp); PubMed 20421371 (cited by Labcorp Genetics (formerly Invitae), Labcorp); PubMed 23098067 (cited by Labcorp Genetics (formerly Invitae), Labcorp); PubMed 23392653 (cited by Labcorp Genetics (formerly Invitae), Labcorp).

NM_000218.3(KCNQ1):c.644T>G (p.Val215Gly)

Gene: KCNQ1 (potassium voltage-gated channel subfamily Q member 1; plus strand). Cytogenetic location: 11p15.5.
Variant type: single nucleotide variant.
Coding change: c.644T>G on transcript NM_000218.3 (MANE Select); coding-DNA position 644, T replaced by G.
Protein change: p.Val215Gly; replaces valine 215 with glycine.
Molecular consequence: missense variant.
Genome position (GRCh38, 1-based): chr11:2,571,364, T>G. VCF-style: chr11-2571364-T-G. GRCh37 (hg19) VCF-style: chr11-2592594-T-G.
Other names: c.644T>G, p.Val215Gly (NM_001406836.1); c.374T>G, p.Val125Gly (NM_001406837.1); c.263T>G, p.Val88Gly (NM_181798.2); short protein forms V215G, V88G, V125G.
Identifiers: ClinVar variation 456868 (VCV000456868.12), dbSNP rs368011737, ClinGen allele CA039326.